The following is an entry in ClinVar:

NM_001324418.2(ADAM22):c.678G>A (p.Gln226=)

Gene: ADAM22 (ADAM metallopeptidase domain 22; plus strand). Cytogenetic location: 7q21.12.
Variant type: single nucleotide variant.
Coding change: c.678G>A on transcript NM_001324418.2 (MANE Select); coding-DNA position 678, G replaced by A.
Protein change: p.Gln226=; no amino-acid change (glutamine 226 retained).
Molecular consequence: synonymous variant.
Genome position (GRCh38, 1-based): chr7:88,125,659, G>A. VCF-style: chr7-88125659-G-A. GRCh37 (hg19) VCF-style: chr7-87754974-G-A.
Other names: c.675G>A, p.Gln225= (NM_001324417.2, NM_001324419.2, NM_001391978.1 and 2 more transcripts); c.678G>A, p.Gln226= (NM_001324420.2, NM_001324421.2, NM_001391976.1 and 6 more transcripts); c.729G>A, p.Gln243= (NM_001391975.1, NM_001391980.1, NM_001391982.1).
Identifiers: ClinVar variation 790601 (VCV000790601.13), dbSNP rs61753551, ClinGen allele CA4330279.

ClinVar aggregate classification (germline): Benign/Likely benign. Review status: criteria provided, multiple submitters, no conflicts (2 of 4 stars). 5 submissions from 5 submitters: Benign (3); Likely benign (1). 1 of the submissions does not count toward it. Last evaluated 2025-11-01.

Conditions:
ADAM22-related disorder. Also called: ADAM22-related condition.

Allele frequency attached by ClinVar (database versions not stated): gnomAD exomes 0.00025 and 0.00065; ExAC 0.00082; 1000 Genomes Project 0.00200; 1000 Genomes Project 30x 0.00203; ESP Exome Variant Server 0.00253; gnomAD 0.00297 and 0.00328; TOPMed 0.00335.
gnomAD v4.1: 827 of 1,589,416 alleles (0.052%); highest among the groups gnomAD compares: African/African-American, 1%; 6 homozygotes.

Submissions (5):

CeGaT Center for Human Genetics Tuebingen
Classification: Likely benign. Last evaluated: 2025-11-01. Review status: criteria provided, single submitter. Criteria: CeGaT Center For Human Genetics Tuebingen Variant Classification Criteria Version 2. Collection method: clinical testing. Allele origin: germline. Affected: yes. Observed: 1 variant allele.
Comment: ADAM22: BS1

Blueprint Genetics
Classification: Benign. Last evaluated: 2024-10-31. Review status: criteria provided, single submitter. Criteria: ACMG Guidelines, 2015. Collection method: clinical testing. Allele origin: germline.

Labcorp Genetics (formerly Invitae), Labcorp
Classification: Benign. Last evaluated: 2019-12-31. Review status: criteria provided, single submitter. Criteria: Invitae Variant Classification Sherloc (09022015). Collection method: clinical testing. Allele origin: germline.

Breakthrough Genomics
Classification: Benign. Review status: criteria provided, single submitter. Criteria: ACMG Guidelines, 2015. Collection method: not provided. Allele origin: germline. Inheritance: Autosomal recessive inheritance. Affected: yes.

PreventionGenetics, part of Exact Sciences
Classification: Benign for ADAM22-related condition. Last evaluated: 2024-05-18. Review status: no assertion criteria provided. Collection method: clinical testing. Allele origin: germline. Not counted in ClinVar's aggregate classification.
Comment: This variant is classified as benign based on ACMG/AMP sequence variant interpretation guidelines (Richards et al. 2015 PMID: 25741868, with internal and published modifications).